The following is an entry in ClinVar:

NM_014236.4(GNPAT):c.742C>T (p.Arg248Cys)

Gene: GNPAT (glyceronephosphate O-acyltransferase; plus strand). Cytogenetic location: 1q42.2.
Variant type: single nucleotide variant.
Coding change: c.742C>T on transcript NM_014236.4 (MANE Select); coding-DNA position 742, C replaced by T.
Protein change: p.Arg248Cys; replaces arginine 248 with cysteine.
Molecular consequence: missense variant.
Genome position (GRCh38, 1-based): chr1:231,265,757, C>T. VCF-style: chr1-231265757-C-T. GRCh37 (hg19) VCF-style: chr1-231401503-C-T.
Other names: c.559C>T, p.Arg187Cys (NM_001316350.2); short protein forms R187C, R248C.
Identifiers: ClinVar variation 692108 (VCV000692108.3), dbSNP rs1442079596, ClinGen allele CA345233709.

ClinVar aggregate classification (germline): Uncertain significance. Review status: criteria provided, single submitter (1 of 4 stars). 2 submissions from 2 submitters: Uncertain significance (1). 1 of the submissions does not count toward it. Last evaluated 2022-11-12.

Conditions:
Rhizomelic chondrodysplasia punctata type 2 (RCDP2). Also called: DHAPAT DEFICIENCY; Glyceronephosphate O-acyltransferase deficiency; DIHYDROXYACETONEPHOSPHATE ACYLTRANSFERASE DEFICIENCY; PEROXISOMAL DIHYDROXYACETONEPHOSPHATE ACYLTRANSFERASE DEFICIENCY; glyceronephosphate O-acyltransferase (GNPAT) deficiency; Chondrodysplasia punctata, rhizomelic, due to dihydroxyacetonephosphate acyltransferase deficiency. Identifiers: Orphanet 177, Orphanet 309796, MedGen C1857242, MONDO:0100273, OMIM 222765. Disease mechanism: loss of function.

Allele frequency attached by ClinVar (database versions not stated): gnomAD exomes below 0.00001; gnomAD 0.00001; TOPMed 0.00001.

Submissions (2):

Women's Health and Genetics/Laboratory Corporation of America, LabCorp
Classification: Uncertain significance. Last evaluated: 2022-11-12. Review status: criteria provided, single submitter. Criteria: LabCorp Variant Classification Summary - May 2015. Collection method: clinical testing. Allele origin: germline.
Comment: Variant summary: GNPAT c.742C>T (p.Arg248Cys) results in a non-conservative amino acid change located in the Phospholipid/glycerol acyltransferase domain (IPR002123) of the encoded protein sequence. Five of five in-silico tools predict a damaging effect of the variant on protein function. The variant was absent in 250838 control chromosomes (gnomAD). The available data on variant occurrences in the general population are insufficient to allow any conclusion about variant significance. To our knowledge, no other occurrences of c.742C>T in individuals with Rhizomelic chondrodysplasia punctata and no experimental evidence demonstrating its impact on protein function have been reported. One ClinVar submitter (alluded above) has assessed the variant since 2014 and classified as likely pathogenic although the accompanying summary states a VUS outcome. Based on the evidence outlined above the variant was classified as uncertain significance.

Sección de Genética Clínica, Hospital Clinico Universidad de Chile
Classification: Likely pathogenic for Rhizomelic chondrodysplasia punctata type 2. Last evaluated: 2019-02-20. Review status: no assertion criteria provided. Collection method: clinical testing. Allele origin: unknown. Inheritance: Autosomal recessive inheritance. Affected: yes. Observed: 1 homozygote. Not counted in ClinVar's aggregate classification.
Comment: In summary, the Arg248Cys variants meets our criteria to be classified as pathogenic.

Literature cited by the submitters: PubMed 34229749 (cited by Women's Health and Genetics/Laboratory Corporation of America, LabCorp).